The following is an entry in ClinVar:

NM_201384.3(PLEC):c.4560C>T (p.Arg1520=)

Gene: PLEC (plectin; minus strand). Cytogenetic location: 8q24.3.
Variant type: single nucleotide variant.
Coding change: c.4560C>T on transcript NM_201384.3 (MANE Select); coding-DNA position 4560, C replaced by T.
Protein change: p.Arg1520=; no amino-acid change (arginine 1520 retained).
Molecular consequence: synonymous variant.
Genome position (GRCh38, 1-based): chr8:143,925,369, G>A on the plus strand (C>T on the coding strand, the complement: PLEC is on the minus strand). VCF-style: chr8-143925369-G-A. GRCh37 (hg19) VCF-style: chr8-144999537-G-A.
Other names: c.4641C>T, p.Arg1547= (NM_000445.5); c.4518C>T, p.Arg1506= (NM_201378.4); c.4494C>T, p.Arg1498= (NM_201379.3); c.4971C>T, p.Arg1657= (NM_201380.4); c.4464C>T, p.Arg1488= (NM_201381.3); c.4560C>T, p.Arg1520= (NM_201382.4); c.4572C>T, p.Arg1524= (NM_201383.3).
Identifiers: ClinVar variation 283072 (VCV000283072.21), dbSNP rs782412831, ClinGen allele CA4926621.
Genomic context (GRCh38, chr8:143,925,369, plus strand): 5'-CTCCTCCAGGGCCTGCAGGGCCCGCTGCTTCTCGCGCGCCGCCTCGGCCTCGGCCTTCAC[G>A]CGCGAGGCCAGCTCCACCTCCGCCTGCCGCTTACGCTGGCTCTCGTCCTGCACCTGCCTC-3'
Protein context (NP_958786.1, residues 1510-1530): KRQAEVELAS[Arg1520=]VKAEAEAARE

ClinVar aggregate classification (germline): Benign/Likely benign. Review status: criteria provided, multiple submitters, no conflicts (2 of 4 stars). 5 submissions from 5 submitters: Benign (2); Likely benign (3). Last evaluated 2026-02-01.

Conditions:
Epidermolysis bullosa simplex, Ogna type (EBS5A). Also called: Pidermolysis bullosa simplex 5A, Ogna type; EPIDERMOLYSIS BULLOSA SIMPLEX 5A, OGNA TYPE. Identifiers: Orphanet 79401, MedGen C0432317, MONDO:0007555, OMIM 131950.
Epidermolysis bullosa simplex with nail dystrophy (EBS5D). Identifiers: MedGen C4225309, MONDO:0014661, OMIM 616487.
Autosomal recessive limb-girdle muscular dystrophy type 2Q (LGMDR17). Also called: MUSCULAR DYSTROPHY, LIMB-GIRDLE, AUTOSOMAL RECESSIVE 17. Identifiers: Orphanet 254361, MedGen C3150989, MONDO:0013390, OMIM 613723.
Epidermolysis bullosa simplex 5C, with pyloric atresia (EBS5C). Also called: Epidermolysis bullosa simplex with pyloric atresia; PLEC1-Related Epidermolysis Bullosa with Pyloric Atresia; PLEC-Related Epidermolysis Bullosa with Pyloric Atresia. Identifiers: Orphanet 158684, MedGen C2677349, MONDO:0012807, OMIM 612138.
Epidermolysis bullosa simplex 5B, with muscular dystrophy (EBS5B). Also called: Epidermolysis bullosa simplex with muscular dystrophy; EPIDERMOLYSIS BULLOSA SIMPLEX AND LIMB-GIRDLE MUSCULAR DYSTROPHY. Identifiers: Orphanet 257, MedGen C2931072, MONDO:0009181, OMIM 226670.

Allele frequency attached by ClinVar (database versions not stated): gnomAD 0.00017; gnomAD exomes 0.00023 and 0.00052; 1000 Genomes Project 30x 0.00031; ExAC 0.00098.
gnomAD v4.1: 360 of 1,560,660 alleles (0.023%); highest among the groups gnomAD compares: South Asian, 0.18%; 1 homozygote.

Submissions (5):

CeGaT Center for Human Genetics Tuebingen
Classification: Likely benign. Last evaluated: 2026-02-01. Review status: criteria provided, single submitter. Criteria: CeGaT Center For Human Genetics Tuebingen Variant Classification Criteria Version 2. Collection method: clinical testing. Allele origin: germline. Affected: yes. Observed: 1 variant allele.
Comment: PLEC: BP4, BP7

Labcorp Genetics (formerly Invitae), Labcorp
Classification: Benign for Autosomal recessive limb-girdle muscular dystrophy type 2Q; Epidermolysis bullosa simplex, Ogna type; Epidermolysis bullosa simplex with nail dystrophy; Epidermolysis bullosa simplex 5C, with pyloric atresia; Epidermolysis bullosa simplex 5B, with muscular dystrophy. Last evaluated: 2026-01-26. Review status: criteria provided, single submitter. Criteria: Invitae Variant Classification Sherloc (09022015). Collection method: clinical testing. Allele origin: germline.

Blueprint Genetics
Classification: Likely benign. Last evaluated: 2024-10-23. Review status: criteria provided, single submitter. Criteria: ACMG Guidelines, 2015. Collection method: clinical testing. Allele origin: germline.

Athena Diagnostics
Classification: Benign. Last evaluated: 2024-07-05. Review status: criteria provided, single submitter. Criteria: Athena Diagnostics Criteria. Collection method: clinical testing. Allele origin: unknown.

Eurofins Ntd Llc (ga)
Classification: Likely benign. Last evaluated: 2015-09-03. Review status: criteria provided, single submitter. Criteria: EGL Classification Definitions 2015. Collection method: clinical testing. Allele origin: germline. Observed: 1 variant allele, 1 heterozygote.

Literature cited by the submitters: PubMed 25356899 (cited by Athena Diagnostics).